The following is an entry in ClinVar:

ClinVar aggregate classification (germline): Pathogenic (1 of 4 stars; one submission).

Conditions:
Muscular dystrophy, limb-girdle, autosomal recessive 23. Identifiers: Orphanet 565837, MedGen C4748327, MONDO:0029136, OMIM 618138.

Submission:

OLLIN Analises Genomicas, OLLIN
Classification: Pathogenic for Muscular dystrophy, limb-girdle, autosomal recessive 23. Last evaluated: 2026-08-06. Review status: criteria provided, single submitter. Criteria: ACMG Guidelines 2015 PMID 25741868. Collection method: clinical testing. Allele origin: germline. Inheritance: Autosomal recessive inheritance.
Comment: This frameshift variant, located in exon 60 (of 65), is absent from gnomAD and ClinVar and has not been identified in the literature. This variant causes a frameshift and introduces a premature stop codon, which is predicted to result in either a truncated protein or degradation of the mRNA via nonsense-mediated decay (NMD). According to the currently available evidence, this variant has been classified as pathogenic (PVS1, PM2_P, PM3).

NM_000426.4(LAMA2):c.8440dup (p.Ala2814fs)

Gene: LAMA2 (laminin subunit alpha 2; plus strand). Cytogenetic location: 6q22.33.
Variant type: Duplication.
Coding change: c.8440dup on transcript NM_000426.4 (MANE Select); coding-DNA position 8440, one base duplicated (G; older notation c.8440dupG).
Protein change: p.Ala2814fs; shifts the reading frame from alanine 2814.
Molecular consequence: frameshift variant.
Genome position (GRCh38, 1-based): chr6:129,503,173, G duplicated. VCF-style (leftmost placement, unchanged base first): chr6-129503172-T-TG. GRCh37 (hg19) VCF-style: chr6-129824317-T-TG.
Other names: c.8428dup, p.Ala2810fs (NM_001079823.2); short protein forms A2810fs, A2814fs.
Identifiers: ClinVar variation 5002922 (VCV005002922.1).